The following is an entry in ClinVar:

ClinVar aggregate classification (germline): Benign (1 of 4 stars; one submission).

Allele frequency attached by ClinVar (database versions not stated): gnomAD 0.89081 and 0.89525; TOPMed 0.89287; 1000 Genomes Project 30x 0.91084; 1000 Genomes Project 0.91514.
gnomAD v4.1: 136,315 of 152,252 alleles (90%); highest among the groups gnomAD compares: East Asian, 100%; 61,412 homozygotes.

Submission:

GeneDx
Classification: Benign. Last evaluated: 2018-06-14. Review status: criteria provided, single submitter. Criteria: GeneDx Variant Classification (06012015). Collection method: clinical testing. Allele origin: germline. Affected: yes.
Comment: This variant is considered likely benign or benign based on one or more of the following criteria: it is a conservative change, it occurs at a poorly conserved position in the protein, it is predicted to be benign by multiple in silico algorithms, and/or has population frequency not consistent with disease.

NM_020166.5(MCCC1):c.762-187G>A

Gene: MCCC1 (methylcrotonyl-CoA carboxylase subunit 1; minus strand). Cytogenetic location: 3q27.1.
Variant type: single nucleotide variant.
Coding change: c.762-187G>A on transcript NM_020166.5 (MANE Select); 187 bases into the intron before coding-DNA position 762, G replaced by A.
Molecular consequence: intron variant.
Genome position (GRCh38, 1-based): chr3:183,057,609, C>T on the plus strand (G>A on the coding strand, the complement: MCCC1 is on the minus strand). VCF-style: chr3-183057609-C-T. GRCh37 (hg19) VCF-style: chr3-182775397-C-T.
Other names: c.435-187G>A (NM_001363880.1); c.411-187G>A (NM_001293273.2).
Identifiers: ClinVar variation 684198 (VCV000684198.1), dbSNP rs7646991, ClinGen allele CA11389161.